The following is an entry in ClinVar:

NM_139058.3(ARX):c.1039T>C (p.Phe347Leu)

Gene: ARX (aristaless related homeobox; minus strand). Cytogenetic location: Xp21.3.
Variant type: single nucleotide variant.
Coding change: c.1039T>C on transcript NM_139058.3 (MANE Select); coding-DNA position 1039, T replaced by C.
Protein change: p.Phe347Leu; replaces phenylalanine 347 with leucine.
Molecular consequence: missense variant.
Genome position (GRCh38, 1-based): chrX:25,012,956, A>G on the plus strand (T>C on the coding strand, the complement: ARX is on the minus strand). VCF-style: chrX-25012956-A-G. GRCh37 (hg19) VCF-style: chrX-25031073-A-G.
Other names: short protein forms F347L.
Identifiers: ClinVar variation 864558 (VCV000864558.11), dbSNP rs1556054888, ClinGen allele CA412611899.

ClinVar aggregate classification (germline): Conflicting classifications of pathogenicity. Review status: criteria provided, conflicting classifications (1 of 4 stars). 2 submissions from 2 submitters: Likely pathogenic (1); Uncertain significance (1). Last evaluated 2025-03-04.

Conditions:
Developmental and epileptic encephalopathy, 1 (DEE1). Also called: X-linked infantile spasms; West's syndrome; Tonic spasms with clustering, arrest of psychomotor development and hypsarrhythmia on EEG; X-Linked Infantile Spasm Syndrome; INFANTILE SPASM SYNDROME, X-LINKED 1; Epileptic encephalopathy, early infantile, 1. Identifiers: MedGen C3463992, MONDO:0010632, OMIM 308350. Disease mechanism: loss of function.
Intellectual disability, X-linked, with or without seizures, ARX-related. Also called: INTELLECTUAL DEVELOPMENTAL DISORDER, X-LINKED 29; MENTAL RETARDATION, X-LINKED 29; MENTAL RETARDATION, X-LINKED 32; MENTAL RETARDATION, X-LINKED 33; MENTAL RETARDATION, X-LINKED 38; MENTAL RETARDATION, X-LINKED 43. Identifiers: Orphanet 777, MedGen C0796244, MONDO:0010317, OMIM 300419.

Submissions (2):

GeneDx
Classification: Likely pathogenic. Last evaluated: 2025-03-04. Review status: criteria provided, single submitter. Criteria: GeneDx Variant Classification Process June 2021. Collection method: clinical testing. Allele origin: germline. Affected: yes.
Comment: Not observed at significant frequency in large population cohorts (gnomAD); In silico analysis supports that this missense variant has a deleterious effect on protein structure/function; Has not been previously published as pathogenic or benign to our knowledge; This variant is associated with the following publications: (PMID: 20300201, 31780880)

Labcorp Genetics (formerly Invitae), Labcorp
Classification: Uncertain significance for Developmental and epileptic encephalopathy, 1; Intellectual disability, X-linked, with or without seizures, ARX-related. Last evaluated: 2019-02-13. Review status: criteria provided, single submitter. Criteria: Invitae Variant Classification Sherloc (09022015). Collection method: clinical testing. Allele origin: germline.
Comment: Algorithms developed to predict the effect of missense changes on protein structure and function (SIFT, PolyPhen-2, Align-GVGD) all suggest that this variant is likely to be tolerated, but these predictions have not been confirmed by published functional studies and their clinical significance is uncertain. This variant has not been reported in the literature in individuals with ARX-related conditions. This variant is not present in population databases (ExAC no frequency). This sequence change replaces phenylalanine with leucine at codon 347 of the ARX protein (p.Phe347Leu). The phenylalanine residue is highly conserved and there is a small physicochemical difference between phenylalanine and leucine. In summary, the available evidence is currently insufficient to determine the role of this variant in disease. Therefore, it has been classified as a Variant of Uncertain Significance.